The following is an entry in ClinVar:

ClinVar aggregate classification (germline): Uncertain significance (1 of 4 stars; one submission).

Submission:

Labcorp Genetics (formerly Invitae), Labcorp
Classification: Uncertain significance. Last evaluated: 2025-01-29. Review status: criteria provided, single submitter. Criteria: Invitae Variant Classification Sherloc (09022015). Collection method: clinical testing. Allele origin: germline.
Comment: This sequence change replaces isoleucine, which is neutral and non-polar, with threonine, which is neutral and polar, at codon 387 of the FAM111A protein (p.Ile387Thr). This variant is not present in population databases (gnomAD no frequency). This variant has not been reported in the literature in individuals affected with FAM111A-related conditions. Invitae Evidence Modeling of protein sequence and biophysical properties (such as structural, functional, and spatial information, amino acid conservation, physicochemical variation, residue mobility, and thermodynamic stability) indicates that this missense variant is not expected to disrupt FAM111A protein function with a negative predictive value of 80%. In summary, the available evidence is currently insufficient to determine the role of this variant in disease. Therefore, it has been classified as a Variant of Uncertain Significance.

NM_001312909.2(FAM111A):c.1160T>C (p.Ile387Thr)

Gene: FAM111A (FAM111 trypsin like peptidase A; plus strand). Cytogenetic location: 11q12.1.
Variant type: single nucleotide variant.
Coding change: c.1160T>C on transcript NM_001312909.2 (MANE Select); coding-DNA position 1160, T replaced by C.
Protein change: p.Ile387Thr; replaces isoleucine 387 with threonine.
Molecular consequence: missense variant.
Genome position (GRCh38, 1-based): chr11:59,152,828, T>C. VCF-style: chr11-59152828-T-C. GRCh37 (hg19) VCF-style: chr11-58920301-T-C.
Other names: c.1160T>C, p.Ile387Thr (NM_001374857.1, NM_001374858.1, NM_001374869.1 and 29 more transcripts); short protein forms I387T.
Identifiers: ClinVar variation 3685957 (VCV003685957.2).